The following is an entry in ClinVar:

ClinVar aggregate classification (germline): Conflicting classifications of pathogenicity. Review status: criteria provided, conflicting classifications (1 of 4 stars). 2 submissions from 2 submitters: Uncertain significance (1); Likely benign (1). Last evaluated 2025-09-09.

Allele frequency attached by ClinVar (database versions not stated): ExAC 0.00015; gnomAD 0.00021; TOPMed 0.00032; ESP Exome Variant Server 0.00040; gnomAD exomes 0.00054.
gnomAD v4.1: 819 of 1,595,216 alleles (0.051%); highest among the groups gnomAD compares: Non-Finnish European, 0.065%; no homozygotes.

Submissions (2):

Labcorp Genetics (formerly Invitae), Labcorp
Classification: Uncertain significance. Last evaluated: 2025-09-09. Review status: criteria provided, single submitter. Criteria: Invitae Variant Classification Sherloc (09022015). Collection method: clinical testing. Allele origin: germline.
Comment: This sequence change replaces alanine, which is neutral and non-polar, with threonine, which is neutral and polar, at codon 799 of the NFATC1 protein (p.Ala799Thr). This variant is present in population databases (rs199958849, gnomAD 0.03%). This variant has not been reported in the literature in individuals affected with NFATC1-related conditions. ClinVar contains an entry for this variant (Variation ID: 2078749). An algorithm developed to predict the effect of missense changes on protein structure and function outputs the following: PolyPhen-2: "Benign". The threonine amino acid residue is found in multiple mammalian species, which suggests that this missense change does not adversely affect protein function. In summary, the available evidence is currently insufficient to determine the role of this variant in disease. Therefore, it has been classified as a Variant of Uncertain Significance.

Ambry Genetics
Classification: Likely benign. Last evaluated: 2021-11-29. Review status: criteria provided, single submitter. Criteria: Ambry Variant Classification Scheme 2023. Collection method: clinical testing. Allele origin: germline.

NM_001278669.2(NFATC1):c.2395G>A (p.Ala799Thr)

Gene: NFATC1 (nuclear factor of activated T cells 1; plus strand). Cytogenetic location: 18q23.
Variant type: single nucleotide variant.
Coding change: c.2395G>A on transcript NM_001278669.2 (MANE Select); coding-DNA position 2395, G replaced by A.
Protein change: p.Ala799Thr; replaces alanine 799 with threonine.
Molecular consequence: missense variant. On other transcripts: intron variant (2).
Genome position (GRCh38, 1-based): chr18:79,486,550, G>A. VCF-style: chr18-79486550-G-A. GRCh37 (hg19) VCF-style: chr18-77246550-G-A.
Other names: c.979G>A, p.Ala327Thr (NM_001278673.2, NM_172388.3); c.2395G>A, p.Ala799Thr (NM_006162.5); c.2356G>A, p.Ala786Thr (NM_172387.3, NM_172389.3); c.2092+18968G>A (NM_001278670.2); c.2053+18968G>A (NM_001278672.2); short protein forms A327T, A799T, A786T.
Identifiers: ClinVar variation 2078749 (VCV002078749.5), dbSNP rs199958849, ClinGen allele CA9009623.